The following is an entry in ClinVar:

NM_000481.4(AMT):c.173C>T (p.Pro58Leu)

Gene: AMT (aminomethyltransferase; minus strand). Cytogenetic location: 3p21.31.
Variant type: single nucleotide variant.
Coding change: c.173C>T on transcript NM_000481.4 (MANE Select); coding-DNA position 173, C replaced by T.
Protein change: p.Pro58Leu; replaces proline 58 with leucine.
Molecular consequence: missense variant. On other transcripts: non-coding transcript variant (1), intron variant (1).
Genome position (GRCh38, 1-based): chr3:49,422,189, G>A on the plus strand (C>T on the coding strand, the complement: AMT is on the minus strand). VCF-style: chr3-49422189-G-A. GRCh37 (hg19) VCF-style: chr3-49459622-G-A.
Other names: c.173C>T, p.Pro58Leu (NM_001164710.2, NM_001164712.2); c.90+172C>T (NM_001164711.2); short protein forms P58L.
Identifiers: ClinVar variation 972290 (VCV000972290.6), dbSNP rs1008341193, ClinGen allele CA74516477.

ClinVar aggregate classification (germline): Uncertain significance. Review status: criteria provided, multiple submitters, no conflicts (2 of 4 stars). 3 submissions from 3 submitters: Uncertain significance (2). 1 of the submissions does not count toward it. Last evaluated 2025-11-03.

Conditions:
Glycine encephalopathy. Also called: Non-ketotic hyperglycinemia; Nonketotic hyperglycinemia. Identifiers: Orphanet 407, MedGen C0751748, MONDO:0011612, HP:0008288.

Allele frequency attached by ClinVar (database versions not stated): gnomAD exomes below 0.00001; gnomAD 0.00001; TOPMed 0.00002.
gnomAD v4.1: 5 of 1,613,886 alleles (0.00031%); highest among the groups gnomAD compares: African/African-American, 0.0067%; no homozygotes.

Submissions (3):

Labcorp Genetics (formerly Invitae), Labcorp
Classification: Uncertain significance for Glycine encephalopathy. Last evaluated: 2025-11-03. Review status: criteria provided, single submitter. Criteria: Invitae Variant Classification Sherloc (09022015). Collection method: clinical testing. Allele origin: germline.
Comment: This sequence change replaces proline, which is neutral and non-polar, with leucine, which is neutral and non-polar, at codon 58 of the AMT protein (p.Pro58Leu). This variant is present in population databases (no rsID available, gnomAD 0.007%). This variant has not been reported in the literature in individuals affected with AMT-related conditions. ClinVar contains an entry for this variant (Variation ID: 972290). Invitae Evidence Modeling of protein sequence and biophysical properties (such as structural, functional, and spatial information, amino acid conservation, physicochemical variation, residue mobility, and thermodynamic stability) indicates that this missense variant is expected to disrupt AMT protein function with a positive predictive value of 95%. In summary, the available evidence is currently insufficient to determine the role of this variant in disease. Therefore, it has been classified as a Variant of Uncertain Significance.

Laboratorio de Genetica e Diagnostico Molecular, Hospital Israelita Albert Einstein
Classification: Uncertain significance for Glycine encephalopathy 1. Last evaluated: 2022-07-05. Review status: criteria provided, single submitter. Criteria: ACMG Guidelines, 2015. Collection method: clinical testing. Allele origin: germline. Affected: yes. Observed: 1 variant allele.
Comment: ACMG classification criteria: PM2 moderated, PP3 supporting, PP4

Natera, Inc.
Classification: Uncertain significance for Non-ketotic hyperglycinemia. Last evaluated: 2020-08-13. Review status: no assertion criteria provided. Collection method: clinical testing. Allele origin: germline. Not counted in ClinVar's aggregate classification.